The following is an entry in ClinVar:

ClinVar aggregate classification (germline): Likely benign (1 of 4 stars; one submission).

Conditions:
Juvenile polyposis/hereditary hemorrhagic telangiectasia syndrome (JPHT). Also called: JP/HHT SYNDROME; JUVENILE POLYPOSIS WITH HEREDITARY HEMORRHAGIC TELANGIECTASIA; POLYPOSIS, GENERALIZED JUVENILE, WITH PULMONARY ARTERIOVENOUS MALFORMATION; TELANGIECTASIA, HEREDITARY HEMORRHAGIC, WITH JUVENILE POLYPOSIS COLI; Juvenile Polyposis Syndrome / Hereditary Hemorrhagic Telangiectasia (JPS/HHT). Identifiers: Orphanet 2929, MedGen C1832942, MONDO:0008278, OMIM 175050.

Submission:

Myriad Genetics, Inc.
Classification: Likely benign for Juvenile polyposis/hereditary hemorrhagic telangiectasia syndrome. Last evaluated: 2025-03-19. Review status: criteria provided, single submitter. Criteria: Myriad Autosomal Dominant, Autosomal Recessive and X-Linked Classification Criteria (2023). Collection method: clinical testing. Allele origin: unknown.
Comment: This variant is considered likely benign. This variant is intronic and is not expected to impact mRNA splicing.

NM_005359.6(SMAD4):c.455-18G>T

Gene: SMAD4 (SMAD family member 4; plus strand). Cytogenetic location: 18q21.2.
Variant type: single nucleotide variant.
Coding change: c.455-18G>T on transcript NM_005359.6 (MANE Select); 18 bases into the intron before coding-DNA position 455, G replaced by T.
Molecular consequence: intron variant.
Genome position (GRCh38, 1-based): chr18:51,054,763, G>T. VCF-style: chr18-51054763-G-T. GRCh37 (hg19) VCF-style: chr18-48581133-G-T.
Other names: c.455-18G>T (NM_001407042.1, NM_001407041.1, NM_001407043.1).
Identifiers: ClinVar variation 3904082 (VCV003904082.1).